The following is an entry in ClinVar:

NM_000883.4(IMPDH1):c.814G>A (p.Val272Met)

Gene: IMPDH1 (inosine monophosphate dehydrogenase 1; minus strand). Cytogenetic location: 7q32.1.
Variant type: single nucleotide variant.
Coding change: c.814G>A on transcript NM_000883.4 (MANE Select); coding-DNA position 814, G replaced by A.
Protein change: p.Val272Met; replaces valine 272 with methionine.
Molecular consequence: missense variant.
Genome position (GRCh38, 1-based): chr7:128,400,155, C>T on the plus strand (G>A on the coding strand, the complement: IMPDH1 is on the minus strand). VCF-style: chr7-128400155-C-T. GRCh37 (hg19) VCF-style: chr7-128040209-C-T.
Other names: c.814G>A (NM_000883.3); c.784G>A, p.Val262Met (NM_001102605.2); c.559G>A, p.Val187Met (NM_001142573.2); c.544G>A, p.Val182Met (NM_001142574.2); c.484G>A, p.Val162Met (NM_001142575.2); c.715G>A, p.Val239Met (NM_001142576.2); c.607G>A, p.Val203Met (NM_001304521.2); c.706G>A, p.Val236Met (NM_183243.3); short protein forms V162M, V182M, V187M, V203M, V236M, V239M, V262M, V272M.
Identifiers: ClinVar variation 3610691 (VCV003610691.4).

ClinVar aggregate classification (germline): Uncertain significance. Review status: criteria provided, multiple submitters, no conflicts (2 of 4 stars). 3 submissions from 3 submitters: Uncertain significance (3). Last evaluated 2025-08-22.

Conditions:
Inborn genetic diseases. Identifiers: MedGen C0950123, MeSH D030342.

gnomAD v4.1: 21 of 1,614,002 alleles (0.0013%); highest among the groups gnomAD compares: Non-Finnish European, 0.0017%; no homozygotes.

Submissions (3):

Ambry Genetics
Classification: Uncertain significance for Inborn genetic diseases. Last evaluated: 2025-08-22. Review status: criteria provided, single submitter. Criteria: Ambry Variant Classification Scheme 2023. Collection method: clinical testing. Allele origin: germline.

Labcorp Genetics (formerly Invitae), Labcorp
Classification: Uncertain significance. Last evaluated: 2024-11-27. Review status: criteria provided, single submitter. Criteria: Invitae Variant Classification Sherloc (09022015). Collection method: clinical testing. Allele origin: germline.
Comment: This sequence change replaces valine, which is neutral and non-polar, with methionine, which is neutral and non-polar, at codon 272 of the IMPDH1 protein (p.Val272Met). This variant is present in population databases (rs752457836, gnomAD 0.0009%). This variant has not been reported in the literature in individuals affected with IMPDH1-related conditions. An algorithm developed to predict the effect of missense changes on protein structure and function (PolyPhen-2) suggests that this variant is likely to be disruptive. In summary, the available evidence is currently insufficient to determine the role of this variant in disease. Therefore, it has been classified as a Variant of Uncertain Significance.

Blueprint Genetics
Classification: Uncertain significance. Last evaluated: 2021-06-03. Review status: criteria provided, single submitter. Criteria: ACMG Guidelines, 2015. Collection method: clinical testing. Allele origin: germline.